The following is an entry in ClinVar:

NM_138615.3(DHX30):c.1945G>A (p.Ala649Thr)

Gene: DHX30 (DExH-box helicase 30; plus strand). Cytogenetic location: 3p21.31.
Variant type: single nucleotide variant.
Coding change: c.1945G>A on transcript NM_138615.3 (MANE Select); coding-DNA position 1945, G replaced by A.
Protein change: p.Ala649Thr; replaces alanine 649 with threonine.
Molecular consequence: missense variant.
Genome position (GRCh38, 1-based): chr3:47,847,288, G>A. VCF-style: chr3-47847288-G-A. GRCh37 (hg19) VCF-style: chr3-47888778-G-A.
Other names: c.1861G>A, p.Ala621Thr (NM_001330990.2); c.1828G>A, p.Ala610Thr (NM_014966.4); short protein forms A610T, A621T, A649T.
Identifiers: ClinVar variation 2653774 (VCV002653774.25), dbSNP rs753357583, ClinGen allele CA2370004.

ClinVar aggregate classification (germline): Likely benign. Review status: criteria provided, multiple submitters, no conflicts (2 of 4 stars). 2 submissions from 2 submitters: Likely benign (2). Last evaluated 2023-01-01.

Allele frequency attached by ClinVar (database versions not stated): gnomAD 0.00001; TOPMed 0.00002.
gnomAD v4.1: 30 of 1,614,106 alleles (0.0019%); highest among the groups gnomAD compares: Middle Eastern, 0.033%; no homozygotes.

Submissions (2):

CeGaT Center for Human Genetics Tuebingen
Classification: Likely benign. Last evaluated: 2023-01-01. Review status: criteria provided, single submitter. Criteria: CeGaT Center For Human Genetics Tuebingen Variant Classification Criteria Version 2. Collection method: clinical testing. Allele origin: germline. Affected: yes. Observed: 1 variant allele.
Comment: DHX30: BP4

Breakthrough Genomics
Classification: Likely benign. Review status: criteria provided, single submitter. Criteria: ACMG Guidelines, 2015. Collection method: not provided. Allele origin: germline. Inheritance: Autosomal dominant inheritance. Affected: yes.